The following is an entry in ClinVar:

NM_021951.3(DMRT1):c.989A>C (p.Gln330Pro)

Gene: DMRT1 (doublesex and mab-3 related transcription factor 1; plus strand). Cytogenetic location: 9p24.3.
Variant type: single nucleotide variant.
Coding change: c.989A>C on transcript NM_021951.3 (MANE Select); coding-DNA position 989, A replaced by C.
Protein change: p.Gln330Pro; replaces glutamine 330 with proline.
Molecular consequence: missense variant.
Genome position (GRCh38, 1-based): chr9:968,006, A>C. VCF-style: chr9-968006-A-C. GRCh37 (hg19) VCF-style: chr9-968006-A-C.
Other names: c.515A>C, p.Gln172Pro (NM_001363767.1); short protein forms Q330P, Q172P.
Identifiers: ClinVar variation 3673519 (VCV003673519.2).
Genomic context (GRCh38, chr9:968,006, plus strand): 5'-TTCTCCCTTTCTCTCTTTCTCTCTCACCTCACTTCGCAGTATTCTCGCCGCCCAGCAGTC[A>C]AGATTCTGGCTTGGTTTCCCTCTCGAGCAGCTCTCCTATTAGTAACAAGAGCACAAAGGC-3'
Protein context (NP_068770.2, residues 320-340): RASVFSPPSS[Gln330Pro]DSGLVSLSSS

ClinVar aggregate classification (germline): Uncertain significance (1 of 4 stars; one submission).

Submission:

Labcorp Genetics (formerly Invitae), Labcorp
Classification: Uncertain significance. Last evaluated: 2024-08-15. Review status: criteria provided, single submitter. Criteria: Invitae Variant Classification Sherloc (09022015). Collection method: clinical testing. Allele origin: germline.
Comment: This sequence change replaces glutamine, which is neutral and polar, with proline, which is neutral and non-polar, at codon 330 of the DMRT1 protein (p.Gln330Pro). This variant is not present in population databases (gnomAD no frequency). This variant has not been reported in the literature in individuals affected with DMRT1-related conditions. Invitae Evidence Modeling of protein sequence and biophysical properties (such as structural, functional, and spatial information, amino acid conservation, physicochemical variation, residue mobility, and thermodynamic stability) indicates that this missense variant is not expected to disrupt DMRT1 protein function with a negative predictive value of 80%. In summary, the available evidence is currently insufficient to determine the role of this variant in disease. Therefore, it has been classified as a Variant of Uncertain Significance.